The following is an entry in ClinVar:

ClinVar aggregate classification (germline): Uncertain significance. Review status: criteria provided, multiple submitters, no conflicts (2 of 4 stars). 3 submissions from 3 submitters: Uncertain significance (2). 1 of the submissions does not count toward it. Last evaluated 2022-10-13.

Conditions:
Rhizomelic chondrodysplasia punctata (RCDP). Identifiers: Orphanet 177, MedGen C0282529, MONDO:0015776. Disease mechanism: loss of function.
Peroxisome biogenesis disorder 9B. Also called: PEROXISOME BIOGENESIS DISORDER, PEX7-RELATED, ATYPICAL; PEX7-Related Refsum Disease; Refsum disease, adult, 2. Identifiers: Orphanet 773, MedGen C2749346, MONDO:0013945, OMIM 614879.

Allele frequency attached by ClinVar (database versions not stated): gnomAD exomes below 0.00001.
gnomAD v4.1: 2 of 1,611,496 alleles (0.00012%); highest among the groups gnomAD compares: Non-Finnish European, 0.00017%; no homozygotes.

Submissions (3):

Labcorp Genetics (formerly Invitae), Labcorp
Classification: Uncertain significance for Peroxisome biogenesis disorder 9B. Last evaluated: 2022-10-13. Review status: criteria provided, single submitter. Criteria: Invitae Variant Classification Sherloc (09022015). Collection method: clinical testing. Allele origin: germline.
Comment: ClinVar contains an entry for this variant (Variation ID: 1043826). In summary, the available evidence is currently insufficient to determine the role of this variant in disease. Therefore, it has been classified as a Variant of Uncertain Significance. Algorithms developed to predict the effect of missense changes on protein structure and function are either unavailable or do not agree on the potential impact of this missense change (SIFT: "Deleterious"; PolyPhen-2: "Possibly Damaging"; Align-GVGD: "Class C15"). This variant has not been reported in the literature in individuals affected with PEX7-related conditions. This variant is not present in population databases (gnomAD no frequency). This sequence change replaces serine, which is neutral and polar, with phenylalanine, which is neutral and non-polar, at codon 306 of the PEX7 protein (p.Ser306Phe).

Blueprint Genetics
Classification: Uncertain significance. Last evaluated: 2021-04-06. Review status: criteria provided, single submitter. Criteria: ACMG Guidelines, 2015. Collection method: clinical testing. Allele origin: germline.

Natera, Inc.
Classification: Uncertain significance for Rhizomelic Chondrodysplasia Punctata. Last evaluated: 2020-12-27. Review status: no assertion criteria provided. Collection method: clinical testing. Allele origin: germline. Not counted in ClinVar's aggregate classification.

NM_000288.4(PEX7):c.917C>T (p.Ser306Phe)

Gene: PEX7 (peroxisomal biogenesis factor 7; plus strand). Cytogenetic location: 6q23.3.
Variant type: single nucleotide variant.
Coding change: c.917C>T on transcript NM_000288.4 (MANE Select); coding-DNA position 917, C replaced by T.
Protein change: p.Ser306Phe; replaces serine 306 with phenylalanine.
Molecular consequence: missense variant.
Genome position (GRCh38, 1-based): chr6:136,913,471, C>T. VCF-style: chr6-136913471-C-T. GRCh37 (hg19) VCF-style: chr6-137234609-C-T.
Other names: short protein forms S306F.
Identifiers: ClinVar variation 1043826 (VCV001043826.8), dbSNP rs267608258, ClinGen allele CA148230341.
Genomic context (GRCh38, chr6:136,913,471, plus strand): 5'-TTTGTATGTCTAAATACGTTTCTTCTTACTTCATTTTTGTTTTCTAGGTGGCTGACTGTT[C>T]TTGGGATGAAACAATAAAGATCTATGACCCTGCTTGTCTTACTATTCCTGCTTGAGATAC-3'
Protein context (NP_000279.1, residues 296-316): LQSPTQVADC[Ser306Phe]WDETIKIYDP